The following is an entry in ClinVar:

ClinVar aggregate classification (germline): Benign/Likely benign. Review status: criteria provided, multiple submitters, no conflicts (2 of 4 stars). 4 submissions from 4 submitters: Benign (2); Likely benign (1). 1 of the submissions does not count toward it. Last evaluated 2026-09-01.

Conditions:
VPS13D-related disorder. Also called: VPS13D-related condition.

Allele frequency attached by ClinVar (database versions not stated): gnomAD exomes 0.00016; ESP Exome Variant Server 0.00092; 1000 Genomes Project 0.00100; 1000 Genomes Project 30x 0.00141.
gnomAD v4.1: 456 of 1,614,086 alleles (0.028%); highest among the groups gnomAD compares: African/African-American, 0.54%; 1 homozygote.

Submissions (4):

CeGaT Center for Human Genetics Tuebingen
Classification: Likely benign. Last evaluated: 2026-09-01. Review status: criteria provided, single submitter. Criteria: CeGaT Center For Human Genetics Tuebingen Variant Classification Criteria Version 2. Collection method: clinical testing. Allele origin: germline. Affected: yes. Observed: 1 variant allele.
Comment: VPS13D: BP4, BP7

Labcorp Genetics (formerly Invitae), Labcorp
Classification: Benign. Last evaluated: 2026-02-02. Review status: criteria provided, single submitter. Criteria: Invitae Variant Classification Sherloc (09022015). Collection method: clinical testing. Allele origin: germline.

Breakthrough Genomics
Classification: Benign. Review status: criteria provided, single submitter. Criteria: ACMG Guidelines, 2015. Collection method: not provided. Allele origin: germline. Inheritance: Autosomal recessive inheritance. Affected: yes.

PreventionGenetics, part of Exact Sciences
Classification: Likely benign for VPS13D-related condition. Last evaluated: 2020-01-06. Review status: no assertion criteria provided. Collection method: clinical testing. Allele origin: germline. Not counted in ClinVar's aggregate classification.
Comment: This variant is classified as likely benign based on ACMG/AMP sequence variant interpretation guidelines (Richards et al. 2015 PMID: 25741868, with internal and published modifications).

NM_015378.4(VPS13D):c.10005G>A (p.Thr3335=)

Gene: VPS13D (vacuolar protein sorting 13 homolog D; plus strand). Cytogenetic location: 1p36.22.
Variant type: single nucleotide variant.
Coding change: c.10005G>A on transcript NM_015378.4 (MANE Select); coding-DNA position 10005, G replaced by A.
Protein change: p.Thr3335=; no amino-acid change (threonine 3335 retained).
Molecular consequence: synonymous variant.
Genome position (GRCh38, 1-based): chr1:12,358,465, G>A. VCF-style: chr1-12358465-G-A. GRCh37 (hg19) VCF-style: chr1-12418521-G-A.
Other names: c.9930G>A, p.Thr3310= (NM_018156.4); c.10005G>A (NM_015378.3).
Identifiers: ClinVar variation 1603195 (VCV001603195.12), dbSNP rs147297376, ClinGen allele CA603571.